The following is an entry in ClinVar:

NM_001242896.3(DEPDC5):c.1193A>G (p.Asn398Ser)

Gene: DEPDC5 (DEP domain containing 5, GATOR1 subcomplex subunit; plus strand). Cytogenetic location: 22q12.3.
Variant type: single nucleotide variant.
Coding change: c.1193A>G on transcript NM_001242896.3 (MANE Select); coding-DNA position 1193, A replaced by G.
Protein change: p.Asn398Ser; replaces asparagine 398 with serine.
Molecular consequence: missense variant. On other transcripts: non-coding transcript variant (5).
Genome position (GRCh38, 1-based): chr22:31,804,891, A>G. VCF-style: chr22-31804891-A-G. GRCh37 (hg19) VCF-style: chr22-32200877-A-G.
Other names: c.1193A>G, p.Asn398Ser (NM_001007188.4, NM_001136029.4, NM_001242897.2 and 7 more transcripts); c.1109A>G, p.Asn370Ser (NM_001369901.1, NM_001369902.1); short protein forms N398S, N370S.
Identifiers: ClinVar variation 3652635 (VCV003652635.2).

ClinVar aggregate classification (germline): Uncertain significance (1 of 4 stars; one submission).

Conditions:
Familial focal epilepsy with variable foci (FPEVF). Identifiers: Orphanet 98820, MedGen C1858477, MONDO:0020310.

Submission:

Labcorp Genetics (formerly Invitae), Labcorp
Classification: Uncertain significance for Familial focal epilepsy with variable foci. Last evaluated: 2024-05-08. Review status: criteria provided, single submitter. Criteria: Invitae Variant Classification Sherloc (09022015). Collection method: clinical testing. Allele origin: germline.
Comment: This sequence change replaces asparagine, which is neutral and polar, with serine, which is neutral and polar, at codon 398 of the DEPDC5 protein (p.Asn398Ser). This variant is not present in population databases (gnomAD no frequency). This variant has not been reported in the literature in individuals affected with DEPDC5-related conditions. Experimental studies and prediction algorithms are not available or were not evaluated, and the functional significance of this variant is currently unknown. In summary, the available evidence is currently insufficient to determine the role of this variant in disease. Therefore, it has been classified as a Variant of Uncertain Significance.